The following is an entry in ClinVar:

NM_001394062.1(MACF1):c.14476T>C (p.Leu4826=)

Gene: MACF1 (microtubule actin crosslinking factor 1; plus strand). Cytogenetic location: 1p34.3.
Variant type: single nucleotide variant.
Coding change: c.14476T>C on transcript NM_001394062.1 (MANE Select); coding-DNA position 14476, T replaced by C.
Protein change: p.Leu4826=; no amino-acid change (leucine 4826 retained).
Molecular consequence: synonymous variant.
Genome position (GRCh38, 1-based): chr1:39,387,318, T>C. VCF-style: chr1-39387318-T-C. GRCh37 (hg19) VCF-style: chr1-39852990-T-C.
Other names: c.8290T>C, p.Leu2764= (NM_012090.5).
Identifiers: ClinVar variation 1701102 (VCV001701102.39), dbSNP rs72661966, ClinGen allele CA782257.
Genomic context (GRCh38, chr1:39,387,318, plus strand): 5'-AGGACCTGGTTGGATGATAAACAAAGCCAGCAAGCAAAAAACTGCCCAATTTCTGCAAAA[T>C]TGGAGCGGCTACAGTCTCAGCTACAGGAGAATGAAGAGTTTCAGAAAAGTCTTAATCAAC-3'
Protein context (NP_001380991.1, residues 4816-4836): QAKNCPISAK[Leu4826=]ERLQSQLQEN

ClinVar aggregate classification (germline): Benign/Likely benign. Review status: criteria provided, multiple submitters, no conflicts (2 of 4 stars). 5 submissions from 5 submitters: Benign (2); Likely benign (2). 1 of the submissions does not count toward it. Last evaluated 2026-06-01.

Conditions:
Lissencephaly 9 with complex brainstem malformation. Identifiers: Orphanet 572013, MedGen C5193029, MONDO:0032677, OMIM 618325.
MACF1-related disorder. Also called: MACF1-related condition.

Allele frequency attached by ClinVar (database versions not stated): gnomAD exomes 0.00124 and 0.00194; ExAC 0.00173; ESP Exome Variant Server 0.00223; gnomAD 0.00269 and 0.00288; 1000 Genomes Project 0.00319; 1000 Genomes Project 30x 0.00359; TOPMed 0.00369.
gnomAD v4.1: 2,350 of 1,614,100 alleles (0.15%); highest among the groups gnomAD compares: Middle Eastern, 0.79%; 14 homozygotes.

Submissions (5):

CeGaT Center for Human Genetics Tuebingen
Classification: Likely benign. Last evaluated: 2026-06-01. Review status: criteria provided, single submitter. Criteria: CeGaT Center For Human Genetics Tuebingen Variant Classification Criteria Version 2. Collection method: clinical testing. Allele origin: germline. Affected: yes. Observed: 6 variant alleles.
Comment: MACF1: BP4, BP7

Labcorp Genetics (formerly Invitae), Labcorp
Classification: Benign. Last evaluated: 2025-09-22. Review status: criteria provided, single submitter. Criteria: Invitae Variant Classification Sherloc (09022015). Collection method: clinical testing. Allele origin: germline.

Blueprint Genetics
Classification: Likely benign. Last evaluated: 2024-11-21. Review status: criteria provided, single submitter. Criteria: ACMG Guidelines, 2015. Collection method: clinical testing. Allele origin: germline.

Genome-Nilou Lab
Classification: Benign for Lissencephaly 9 with complex brainstem malformation. Last evaluated: 2023-04-11. Review status: criteria provided, single submitter. Criteria: ACMG Guidelines, 2015. Collection method: clinical testing. Allele origin: germline. Affected: no.

PreventionGenetics, part of Exact Sciences
Classification: Benign for MACF1-related condition. Last evaluated: 2023-02-07. Review status: no assertion criteria provided. Collection method: clinical testing. Allele origin: germline. Not counted in ClinVar's aggregate classification.
Comment: This variant is classified as benign based on ACMG/AMP sequence variant interpretation guidelines (Richards et al. 2015 PMID: 25741868, with internal and published modifications).